The following is an entry in ClinVar:

NM_025103.4(IFT74):c.1684T>C (p.Phe562Leu)

Gene: IFT74 (intraflagellar transport 74; plus strand). Cytogenetic location: 9p21.2.
Variant type: single nucleotide variant.
Coding change: c.1684T>C on transcript NM_025103.4 (MANE Select); coding-DNA position 1684, T replaced by C.
Protein change: p.Phe562Leu; replaces phenylalanine 562 with leucine.
Molecular consequence: missense variant. On other transcripts: stop lost (1).
Genome position (GRCh38, 1-based): chr9:27,060,651, T>C. VCF-style: chr9-27060651-T-C. GRCh37 (hg19) VCF-style: chr9-27060649-T-C.
Other names: c.1684T>C, p.Phe562Leu (NM_001099222.3, NM_001099223.3); c.1684T>C, p.Ter562Arg (NM_001349928.2); short protein forms F562L.
Identifiers: ClinVar variation 2095638 (VCV002095638.1), dbSNP rs746061374, ClinGen allele CA5015746.

ClinVar aggregate classification (germline): Uncertain significance (1 of 4 stars; one submission).

Allele frequency attached by ClinVar (database versions not stated): gnomAD exomes below 0.00001; TOPMed below 0.00001; ExAC 0.00002.
gnomAD v4.1: 2 of 1,599,818 alleles (0.00013%); highest among the groups gnomAD compares: Non-Finnish European, 0.00017%; no homozygotes.

Submission:

Labcorp Genetics (formerly Invitae), Labcorp
Classification: Uncertain significance. Last evaluated: 2022-08-03. Review status: criteria provided, single submitter. Criteria: Invitae Variant Classification Sherloc (09022015). Collection method: clinical testing. Allele origin: germline.
Comment: This sequence change replaces phenylalanine, which is neutral and non-polar, with leucine, which is neutral and non-polar, at codon 562 of the IFT74 protein (p.Phe562Leu). This variant is present in population databases (rs746061374, gnomAD 0.006%). This variant has not been reported in the literature in individuals affected with IFT74-related conditions. Algorithms developed to predict the effect of missense changes on protein structure and function (SIFT, PolyPhen-2, Align-GVGD) all suggest that this variant is likely to be tolerated. Algorithms developed to predict the effect of sequence changes on RNA splicing suggest that this variant may disrupt the consensus splice site. In summary, the available evidence is currently insufficient to determine the role of this variant in disease. Therefore, it has been classified as a Variant of Uncertain Significance.